The following is an entry in ClinVar:

NM_004006.3(DMD):c.9388T>C (p.Cys3130Arg)

Gene: DMD (dystrophin; minus strand). Cytogenetic location: Xp21.2.
Variant type: single nucleotide variant.
Coding change: c.9388T>C on transcript NM_004006.3 (MANE Select); coding-DNA position 9388, T replaced by C.
Protein change: p.Cys3130Arg; replaces cysteine 3130 with arginine.
Molecular consequence: missense variant.
Genome position (GRCh38, 1-based): chrX:31,209,673, A>G on the plus strand (T>C on the coding strand, the complement: DMD is on the minus strand). VCF-style: chrX-31209673-A-G. GRCh37 (hg19) VCF-style: chrX-31227790-A-G.
Other names: c.9364T>C, p.Cys3122Arg (NM_000109.4); c.9376T>C, p.Cys3126Arg (NM_004009.3); c.9019T>C, p.Cys3007Arg (NM_004010.3); c.5365T>C, p.Cys1789Arg (NM_004011.4); c.5356T>C, p.Cys1786Arg (NM_004012.4); c.2008T>C, p.Cys670Arg (NM_004013.3, NM_004020.4, NM_004021.3 and 2 more transcripts); c.1201T>C, p.Cys401Arg (NM_004014.3); c.184T>C, p.Cys62Arg (NM_004015.3, NM_004016.3, NM_004017.3 and 2 more transcripts); short protein forms C1786R, C1789R, C3007R, C3122R, C3126R, C3130R, C401R, C62R.
Identifiers: ClinVar variation 1310890 (VCV001310890.2), dbSNP rs932848232, ClinGen allele CA412650117.
Genomic context (GRCh38, chrX:31,209,673, plus strand): 5'-TCTGCAGGATATCCATGGGCTGGTCATTTTGCTTGAGGTTGTGCTGGTCCAAGGCATCAC[A>G]TGCAGCTGACAGGCTCAAGAGATCCACTGCAAAAAACAAATAAAATCACAAATGACTCAA-3'
Protein context (NP_003997.2, residues 3120-3140): CLDLLSLSAA[Cys3130Arg]DALDQHNLKQ

ClinVar aggregate classification (germline): Uncertain significance (1 of 4 stars; one submission).

Submission:

GeneDx
Classification: Uncertain significance. Last evaluated: 2020-01-13. Review status: criteria provided, single submitter. Criteria: GeneDx Variant Classification Process June 2021. Collection method: clinical testing. Allele origin: germline. Affected: yes.
Comment: Not observed in large population cohorts (Lek et al., 2016); In silico analysis, which includes protein predictors and evolutionary conservation, supports a deleterious effect; Missense variant in a gene in which most reported pathogenic variants are truncating/loss-of-function; Has not been previously published as pathogenic or benign to our knowledge